The following is an entry in ClinVar:

ClinVar aggregate classification (germline): Uncertain significance. Review status: criteria provided, multiple submitters, no conflicts (2 of 4 stars). 2 submissions from 2 submitters: Uncertain significance (2). Last evaluated 2025-10-07.

Conditions:
Hereditary cancer-predisposing syndrome. Also called: Neoplastic Syndromes, Hereditary; Tumor predisposition; Hereditary Cancer Syndrome; Hereditary neoplastic syndrome. Identifiers: Orphanet 140162, MedGen C0027672, MeSH D009386, MONDO:0015356.

Submissions (2):

Ambry Genetics
Classification: Uncertain significance for Hereditary cancer-predisposing syndrome. Last evaluated: 2025-10-07. Review status: criteria provided, single submitter. Criteria: Ambry Variant Classification Scheme 2023. Collection method: clinical testing. Allele origin: germline.
Comment: The p.A504T variant (also known as c.1510G>A), located in coding exon 10 of the MSH3 gene, results from a G to A substitution at nucleotide position 1510. The alanine at codon 504 is replaced by threonine, an amino acid with similar properties. This amino acid position is conserved. In addition, the in silico prediction for this alteration is inconclusive. Based on the available evidence, the clinical significance of this variant remains unclear.

Labcorp Genetics (formerly Invitae), Labcorp
Classification: Uncertain significance. Last evaluated: 2023-01-19. Review status: criteria provided, single submitter. Criteria: Invitae Variant Classification Sherloc (09022015). Collection method: clinical testing. Allele origin: germline.
Comment: In summary, the available evidence is currently insufficient to determine the role of this variant in disease. Therefore, it has been classified as a Variant of Uncertain Significance. Algorithms developed to predict the effect of missense changes on protein structure and function are either unavailable or do not agree on the potential impact of this missense change (SIFT: "Deleterious"; PolyPhen-2: "Possibly Damaging"; Align-GVGD: "Class C0"). This variant has not been reported in the literature in individuals affected with MSH3-related conditions. This variant is not present in population databases (gnomAD no frequency). This sequence change replaces alanine, which is neutral and non-polar, with threonine, which is neutral and polar, at codon 504 of the MSH3 protein (p.Ala504Thr).

NM_002439.5(MSH3):c.1510G>A (p.Ala504Thr)

Gene: MSH3 (mutS homolog 3; plus strand). Cytogenetic location: 5q14.1.
Variant type: single nucleotide variant.
Coding change: c.1510G>A on transcript NM_002439.5 (MANE Select); coding-DNA position 1510, G replaced by A.
Protein change: p.Ala504Thr; replaces alanine 504 with threonine.
Molecular consequence: missense variant.
Genome position (GRCh38, 1-based): chr5:80,728,907, G>A. VCF-style: chr5-80728907-G-A. GRCh37 (hg19) VCF-style: chr5-80024726-G-A.
Other names: c.1510G>A (NM_002439.3); short protein forms A504T.
Identifiers: ClinVar variation 2830042 (VCV002830042.4), dbSNP rs2112857882, ClinGen allele CA360274258.
Genomic context (GRCh38, chr5:80,728,907, plus strand): 5'-CTAGGTTCTCAAATTATTTCTGGCATTGTTAACTTAGAGAAGCCTGTGATTTGCTCTTTG[G>A]CTGCCATCATAAAATACCTCAAAGAATTCAACTTGGAAAAGATGCTCTCCAAACCTGAGT-3'
Protein context (NP_002430.3, residues 494-514): NLEKPVICSL[Ala504Thr]AIIKYLKEFN